The following is an entry in ClinVar:

NM_000701.8(ATP1A1):c.1340T>C (p.Val447Ala)

Gene: ATP1A1 (ATPase Na+/K+ transporting subunit alpha 1; plus strand). Cytogenetic location: 1p13.1.
Variant type: single nucleotide variant.
Coding change: c.1340T>C on transcript NM_000701.8 (MANE Select); coding-DNA position 1340, T replaced by C.
Protein change: p.Val447Ala; replaces valine 447 with alanine.
Molecular consequence: missense variant.
Genome position (GRCh38, 1-based): chr1:116,392,861, T>C. VCF-style: chr1-116392861-T-C. GRCh37 (hg19) VCF-style: chr1-116935483-T-C.
Other names: c.1340T>C, p.Val447Ala (NM_001160233.2); c.1247T>C, p.Val416Ala (NM_001160234.2); short protein forms V416A, V447A.
Identifiers: ClinVar variation 2832966 (VCV002832966.3), dbSNP rs2525849574, ClinGen allele CA341770218.

ClinVar aggregate classification (germline): Uncertain significance (1 of 4 stars; one submission).

Submission:

Labcorp Genetics (formerly Invitae), Labcorp
Classification: Uncertain significance. Last evaluated: 2023-03-28. Review status: criteria provided, single submitter. Criteria: Invitae Variant Classification Sherloc (09022015). Collection method: clinical testing. Allele origin: germline.
Comment: This sequence change replaces valine, which is neutral and non-polar, with alanine, which is neutral and non-polar, at codon 447 of the ATP1A1 protein (p.Val447Ala). This variant is not present in population databases (gnomAD no frequency). This variant has not been reported in the literature in individuals affected with ATP1A1-related conditions. Advanced modeling of protein sequence and biophysical properties (such as structural, functional, and spatial information, amino acid conservation, physicochemical variation, residue mobility, and thermodynamic stability) performed at Invitae indicates that this missense variant is not expected to disrupt ATP1A1 protein function. In summary, the available evidence is currently insufficient to determine the role of this variant in disease. Therefore, it has been classified as a Variant of Uncertain Significance.